The following is an entry in ClinVar:

NM_001080449.3(DNA2):c.1819C>A (p.Leu607Ile)

Gene: DNA2 (DNA replication helicase/nuclease 2; minus strand). Cytogenetic location: 10q21.3.
Variant type: single nucleotide variant.
Coding change: c.1819C>A on transcript NM_001080449.3 (MANE Select); coding-DNA position 1819, C replaced by A.
Protein change: p.Leu607Ile; replaces leucine 607 with isoleucine.
Molecular consequence: missense variant. On other transcripts: non-coding transcript variant (1).
Genome position (GRCh38, 1-based): chr10:68,432,260, G>T on the plus strand (C>A on the coding strand, the complement: DNA2 is on the minus strand). VCF-style: chr10-68432260-G-T. GRCh37 (hg19) VCF-style: chr10-70192017-G-T.
Other names: short protein forms L607I.
Identifiers: ClinVar variation 3676275 (VCV003676275.2).

ClinVar aggregate classification (germline): Uncertain significance (1 of 4 stars; one submission).

gnomAD v4.1: 26 of 1,609,726 alleles (0.0016%); highest among the groups gnomAD compares: Non-Finnish European, 0.000085%; no homozygotes.

Submission:

Labcorp Genetics (formerly Invitae), Labcorp
Classification: Uncertain significance. Last evaluated: 2024-09-27. Review status: criteria provided, single submitter. Criteria: Invitae Variant Classification Sherloc (09022015). Collection method: clinical testing. Allele origin: germline.
Comment: This sequence change replaces leucine, which is neutral and non-polar, with isoleucine, which is neutral and non-polar, at codon 607 of the DNA2 protein (p.Leu607Ile). This variant is present in population databases (rs759631285, gnomAD 0.04%). This variant has not been reported in the literature in individuals affected with DNA2-related conditions. Experimental studies and prediction algorithms are not available or were not evaluated, and the functional significance of this variant is currently unknown. In summary, the available evidence is currently insufficient to determine the role of this variant in disease. Therefore, it has been classified as a Variant of Uncertain Significance.